The following is an entry in ClinVar:

ClinVar aggregate classification (germline): Likely benign. Review status: criteria provided, multiple submitters, no conflicts (2 of 4 stars). 3 submissions from 3 submitters: Likely benign (3). Last evaluated 2025-11-25.

Allele frequency attached by ClinVar (database versions not stated): ESP Exome Variant Server 0.00008; TOPMed 0.00012; gnomAD 0.00015 and 0.00029; ExAC 0.00018; gnomAD exomes 0.00018 and 0.00027; 1000 Genomes Project 30x 0.00219; 1000 Genomes Project 0.00260.
gnomAD v4.1: 452 of 1,614,116 alleles (0.028%); highest among the groups gnomAD compares: East Asian, 0.1%; 1 homozygote.

Submissions (3):

Labcorp Genetics (formerly Invitae), Labcorp
Classification: Likely benign. Last evaluated: 2025-11-25. Review status: criteria provided, single submitter. Criteria: Invitae Variant Classification Sherloc (09022015). Collection method: clinical testing. Allele origin: germline.

Blueprint Genetics
Classification: Likely benign. Last evaluated: 2024-10-22. Review status: criteria provided, single submitter. Criteria: ACMG Guidelines, 2015. Collection method: clinical testing. Allele origin: germline.

CeGaT Center for Human Genetics Tuebingen
Classification: Likely benign. Last evaluated: 2022-11-01. Review status: criteria provided, single submitter. Criteria: CeGaT Center For Human Genetics Tuebingen Variant Classification Criteria Version 2. Collection method: clinical testing. Allele origin: germline. Affected: yes. Observed: 1 variant allele.
Comment: DNAH9: BP4, BP7

NM_001372.4(DNAH9):c.6525C>T (p.Pro2175=)

Gene: DNAH9 (dynein axonemal heavy chain 9; plus strand). Cytogenetic location: 17p12.
Variant type: single nucleotide variant.
Coding change: c.6525C>T on transcript NM_001372.4 (MANE Select); coding-DNA position 6525, C replaced by T.
Protein change: p.Pro2175=; no amino-acid change (proline 2175 retained).
Molecular consequence: synonymous variant.
Genome position (GRCh38, 1-based): chr17:11,747,681, C>T. VCF-style: chr17-11747681-C-T. GRCh37 (hg19) VCF-style: chr17-11650998-C-T.
Identifiers: ClinVar variation 1564965 (VCV001564965.32), dbSNP rs370820383, ClinGen allele CA8396339.
Genomic context (GRCh38, chr17:11,747,681, plus strand): 5'-CGGCAAGTCACAGGTGCTGAGGTCCTTGCACAAGACCTATCAGATCATGAAACGGCGCCC[C>T]GTCTGGACTGACCTCAATCCCAAAGCAGTCACAAATGATGAGCTCTTTGGCATCATCAAT-3'
Protein context (NP_001363.2, residues 2165-2185): HKTYQIMKRR[Pro2175=]VWTDLNPKAV